The following is an entry in ClinVar:

ClinVar aggregate classification (germline): Pathogenic (1 of 4 stars; one submission).

Allele frequency attached by ClinVar (database versions not stated): TOPMed below 0.00001.
gnomAD v4.1: 1 of 1,551,608 alleles (0.000064%); highest among the groups gnomAD compares: Non-Finnish European, 0.000087%; no homozygotes.

Submission:

Labcorp Genetics (formerly Invitae), Labcorp
Classification: Pathogenic. Last evaluated: 2022-08-31. Review status: criteria provided, single submitter. Criteria: Invitae Variant Classification Sherloc (09022015). Collection method: clinical testing. Allele origin: germline.
Comment: For these reasons, this variant has been classified as Pathogenic. ClinVar contains an entry for this variant (Variation ID: 1451796). This variant has not been reported in the literature in individuals affected with UNC80-related conditions. This variant is not present in population databases (gnomAD no frequency). This sequence change creates a premature translational stop signal (p.Arg453*) in the UNC80 gene. It is expected to result in an absent or disrupted protein product. Loss-of-function variants in UNC80 are known to be pathogenic (PMID: 26545877, 26708751, 26708753).

Literature cited by the submitters: PubMed 26545877; PubMed 26708751; PubMed 26708753.

NM_001371986.1(UNC80):c.1357C>T (p.Arg453Ter)

Gene: UNC80 (unc-80 subunit of NALCN channel complex; plus strand). Cytogenetic location: 2q34.
Variant type: single nucleotide variant.
Coding change: c.1357C>T on transcript NM_001371986.1 (MANE Select); coding-DNA position 1357, C replaced by T.
Protein change: p.Arg453Ter; replaces arginine 453 with a stop codon.
Molecular consequence: nonsense.
Genome position (GRCh38, 1-based): chr2:209,816,930, C>T. VCF-style: chr2-209816930-C-T. GRCh37 (hg19) VCF-style: chr2-210681654-C-T.
Other names: c.1357C>T, p.Arg453Ter (NM_032504.2, NM_182587.4); short protein forms R453*.
Identifiers: ClinVar variation 1451796 (VCV001451796.6), dbSNP rs2079784643, ClinGen allele CA350134430.